The following is an entry in ClinVar:

NM_004655.4(AXIN2):c.2071C>T (p.Pro691Ser)

Gene: AXIN2 (axin 2; minus strand). Cytogenetic location: 17q24.1.
Variant type: single nucleotide variant.
Coding change: c.2071C>T on transcript NM_004655.4 (MANE Select); coding-DNA position 2071, C replaced by T.
Protein change: p.Pro691Ser; replaces proline 691 with serine.
Molecular consequence: missense variant.
Genome position (GRCh38, 1-based): chr17:65,536,390, G>A on the plus strand (C>T on the coding strand, the complement: AXIN2 is on the minus strand). VCF-style: chr17-65536390-G-A. GRCh37 (hg19) VCF-style: chr17-63532508-G-A.
Other names: c.1876C>T, p.Pro626Ser (NM_001363813.1); short protein forms P691S, P626S.
Identifiers: ClinVar variation 849749 (VCV000849749.11), dbSNP rs1352792335, ClinGen allele CA400676046.

ClinVar aggregate classification (germline): Uncertain significance. Review status: criteria provided, multiple submitters, no conflicts (2 of 4 stars). 2 submissions from 2 submitters: Uncertain significance (2). Last evaluated 2024-02-22.

Conditions:
Hereditary cancer-predisposing syndrome. Also called: Tumor predisposition; Neoplastic Syndromes, Hereditary; Hereditary neoplastic syndrome; Hereditary Cancer Syndrome. Identifiers: Orphanet 140162, MedGen C0027672, MeSH D009386, MONDO:0015356.
Oligodontia-cancer predisposition syndrome. Also called: TOOTH AGENESIS-COLORECTAL CANCER SYNDROME. Identifiers: Orphanet 300576, MedGen C1837750, MONDO:0012075, OMIM 608615. Disease mechanism: loss of function.

Allele frequency attached by ClinVar (database versions not stated): gnomAD exomes below 0.00001; TOPMed 0.00001.
gnomAD v4.1: 3 of 1,613,818 alleles (0.00019%); highest among the groups gnomAD compares: Non-Finnish European, 0.00025%; no homozygotes.

Submissions (2):

Labcorp Genetics (formerly Invitae), Labcorp
Classification: Uncertain significance for Oligodontia-cancer predisposition syndrome. Last evaluated: 2024-02-22. Review status: criteria provided, single submitter. Criteria: Invitae Variant Classification Sherloc (09022015). Collection method: clinical testing. Allele origin: germline.
Comment: This sequence change replaces proline, which is neutral and non-polar, with serine, which is neutral and polar, at codon 691 of the AXIN2 protein (p.Pro691Ser). This variant is present in population databases (no rsID available, gnomAD 0.0009%). This variant has not been reported in the literature in individuals affected with AXIN2-related conditions. ClinVar contains an entry for this variant (Variation ID: 849749). Advanced modeling of protein sequence and biophysical properties (such as structural, functional, and spatial information, amino acid conservation, physicochemical variation, residue mobility, and thermodynamic stability) performed at Invitae indicates that this missense variant is expected to disrupt AXIN2 protein function with a positive predictive value of 80%. In summary, the available evidence is currently insufficient to determine the role of this variant in disease. Therefore, it has been classified as a Variant of Uncertain Significance.

Ambry Genetics
Classification: Uncertain significance for Hereditary cancer-predisposing syndrome. Last evaluated: 2023-09-06. Review status: criteria provided, single submitter. Criteria: Ambry Variant Classification Scheme 2023. Collection method: clinical testing. Allele origin: germline.
Comment: The p.P691S variant (also known as c.2071C>T), located in coding exon 7 of the AXIN2 gene, results from a C to T substitution at nucleotide position 2071. The proline at codon 691 is replaced by serine, an amino acid with similar properties. This amino acid position is conserved. In addition, this alteration is predicted to be deleterious by in silico analysis. Since supporting evidence is limited at this time, the clinical significance of this alteration remains unclear.